The following is an entry in ClinVar:

ClinVar aggregate classification (germline): Uncertain significance. Review status: criteria provided, multiple submitters, no conflicts (2 of 4 stars). 2 submissions from 2 submitters: Uncertain significance (2). Last evaluated 2025-10-01.

Conditions:
Cardiovascular phenotype. Identifiers: MedGen CN230736.
Brugada syndrome. Also called: Sudden Unexplained Death Syndrome; Sudden Unexplained Nocturnal Death Syndrome (SUNDS); Sudden unexpected nocturnal death syndrome; Sudden unexplained nocturnal death syndrome. Identifiers: Orphanet 130, MedGen C1142166, MONDO:0015263.

Allele frequency attached by ClinVar (database versions not stated): gnomAD exomes below 0.00001.
gnomAD v4.1: 1 of 1,614,048 alleles (0.000062%); highest among the groups gnomAD compares: African/African-American, 0.0013%; no homozygotes.

Submissions (2):

Ambry Genetics
Classification: Uncertain significance for Cardiovascular phenotype. Last evaluated: 2025-10-01. Review status: criteria provided, single submitter. Criteria: Ambry Variant Classification Scheme 2023. Collection method: clinical testing. Allele origin: germline.
Comment: The p.M684V variant (also known as c.2050A>G), located in coding exon 13 of the SCN10A gene, results from an A to G substitution at nucleotide position 2050. The methionine at codon 684 is replaced by valine, an amino acid with highly similar properties. This amino acid position is conserved. In addition, the in silico prediction for this alteration is inconclusive. Based on the available evidence, the clinical significance of this variant remains unclear.

Labcorp Genetics (formerly Invitae), Labcorp
Classification: Uncertain significance for Brugada syndrome. Last evaluated: 2021-08-30. Review status: criteria provided, single submitter. Criteria: Invitae Variant Classification Sherloc (09022015). Collection method: clinical testing. Allele origin: germline.
Comment: This variant is not present in population databases (ExAC no frequency). This sequence change replaces methionine with valine at codon 684 of the SCN10A protein (p.Met684Val). The methionine residue is moderately conserved and there is a small physicochemical difference between methionine and valine. This variant has not been reported in the literature in individuals affected with SCN10A-related conditions. In summary, the available evidence is currently insufficient to determine the role of this variant in disease. Therefore, it has been classified as a Variant of Uncertain Significance. Algorithms developed to predict the effect of missense changes on protein structure and function output the following: SIFT: "Deleterious"; PolyPhen-2: "Benign"; Align-GVGD: "Class C0". The valine amino acid residue is found in multiple mammalian species, which suggests that this missense change does not adversely affect protein function.

NM_006514.4(SCN10A):c.2050A>G (p.Met684Val)

Gene: SCN10A (sodium voltage-gated channel alpha subunit 10; minus strand). Cytogenetic location: 3p22.2.
Variant type: single nucleotide variant.
Coding change: c.2050A>G on transcript NM_006514.4 (MANE Select); coding-DNA position 2050, A replaced by G.
Protein change: p.Met684Val; replaces methionine 684 with valine.
Molecular consequence: missense variant.
Genome position (GRCh38, 1-based): chr3:38,742,347, T>C on the plus strand (A>G on the coding strand, the complement: SCN10A is on the minus strand). VCF-style: chr3-38742347-T-C. GRCh37 (hg19) VCF-style: chr3-38783838-T-C.
Other names: c.2050A>G, p.Met684Val (NM_001293306.2); c.1756A>G, p.Met586Val (NM_001293307.2); c.2050A>G (NM_006514.2); short protein forms M586V, M684V.
Identifiers: ClinVar variation 1396420 (VCV001396420.9), dbSNP rs934256008, ClinGen allele CA352165075.